The following is an entry in ClinVar:

NM_145870.3(GSTZ1):c.599A>C (p.Gln200Pro)

Gene: GSTZ1 (glutathione S-transferase zeta 1; plus strand). Cytogenetic location: 14q24.3.
Variant type: single nucleotide variant.
Coding change: c.599A>C on transcript NM_145870.3 (MANE Select); coding-DNA position 599, A replaced by C.
Protein change: p.Gln200Pro; replaces glutamine 200 with proline.
Molecular consequence: missense variant.
Genome position (GRCh38, 1-based): chr14:77,331,143, A>C. VCF-style: chr14-77331143-A-C. GRCh37 (hg19) VCF-style: chr14-77797486-A-C.
Other names: c.434A>C, p.Gln145Pro (NM_001312660.2); c.602A>C, p.Gln201Pro (NM_001363703.2); c.473A>C, p.Gln158Pro (NM_145871.3); short protein forms Q200P, Q201P, Q145P, Q158P.
Identifiers: ClinVar variation 3103007 (VCV003103007.14), dbSNP rs772218894, ClinGen allele CA7286682.

ClinVar aggregate classification (germline): Uncertain significance. Review status: criteria provided, multiple submitters, no conflicts (2 of 4 stars). 2 submissions from 2 submitters: Uncertain significance (2). Last evaluated 2025-02-01.

Allele frequency attached by ClinVar (database versions not stated): ExAC 0.00001; gnomAD 0.00001; gnomAD exomes 0.00001; TOPMed 0.00002.

Submissions (2):

CeGaT Center for Human Genetics Tuebingen
Classification: Uncertain significance. Last evaluated: 2025-02-01. Review status: criteria provided, single submitter. Criteria: CeGaT Center For Human Genetics Tuebingen Variant Classification Criteria Version 2. Collection method: clinical testing. Allele origin: germline. Affected: yes. Observed: 1 variant allele.
Comment: GSTZ1: PM2:Supporting, PM3:Supporting, BP4

Ambry Genetics
Classification: Uncertain significance. Last evaluated: 2023-12-09. Review status: criteria provided, single submitter. Criteria: Ambry Variant Classification Scheme 2023. Collection method: clinical testing. Allele origin: germline.